The following is an entry in ClinVar:

NM_001195.5(BFSP1):c.776_777del (p.Cys259fs)

Gene: BFSP1 (beaded filament structural protein 1; minus strand). Cytogenetic location: 20p12.1.
Variant type: Microsatellite.
Coding change: c.776_777del on transcript NM_001195.5 (MANE Select); coding-DNA positions 776 to 777, 2 bases deleted (GT; older notation c.776_777delGT).
Protein change: p.Cys259fs; shifts the reading frame from cysteine 259.
Molecular consequence: frameshift variant.
Genome position (GRCh38, 1-based): chr20:17,498,999-17,499,000, AC deleted on the plus strand (GT on the coding strand, the reverse complement: BFSP1 is on the minus strand); deleting any 2 consecutive bases within chr20:17,498,999-17,499,002 gives the same sequence; the c. name uses the placement nearest the transcript's 3' end. VCF-style (leftmost placement, unchanged base first): chr20-17498998-AAC-A. GRCh37 (hg19) VCF-style: chr20-17479643-AAC-A.
Other names: c.401_402del, p.Cys134fs (NM_001161705.2); c.359_360del, p.Cys120fs (NM_001278606.2, NM_001278608.2); c.443_444del, p.Cys148fs (NM_001278607.2); short protein forms C148fs, C259fs, C120fs, C134fs.
Identifiers: ClinVar variation 2111421 (VCV002111421.4), dbSNP rs2033726928, ClinGen allele CA1015849525.
Genomic context (GRCh38, chr20:17,498,998, plus strand): 5'-CCTCAATCTCCTTGCGCAGTGTCTCAATCTGCTCGTTATAAAGCTGAATCTCATCGTCAT[AAC>A]ACTCATGGGCACTTTTAATAGCTTGTTCCAGAGTTGTTGTCTGTGGGCAAGGACACGCTG-3'

ClinVar aggregate classification (germline): Pathogenic (1 of 4 stars; one submission).

Conditions:
Cataract 33. Also called: CATARACT 33, CORTICAL. Identifiers: Orphanet 91492, MedGen C3808107, MONDO:0012665, OMIM 611391.

Submission:

Labcorp Genetics (formerly Invitae), Labcorp
Classification: Pathogenic for Cataract 33. Last evaluated: 2022-03-17. Review status: criteria provided, single submitter. Criteria: Invitae Variant Classification Sherloc (09022015). Collection method: clinical testing. Allele origin: germline.
Comment: For these reasons, this variant has been classified as Pathogenic. This variant has not been reported in the literature in individuals affected with BFSP1-related conditions. This variant is not present in population databases (gnomAD no frequency). This sequence change creates a premature translational stop signal (p.Cys259Leufs*2) in the BFSP1 gene. It is expected to result in an absent or disrupted protein product. Loss-of-function variants in BFSP1 are known to be pathogenic (PMID: 12454043, 14638724, 17225135).

Literature cited by the submitters: PubMed 12454043; PubMed 14638724; PubMed 17225135.